The following is an entry in ClinVar:

ClinVar aggregate classification (germline): Uncertain significance. Review status: criteria provided, multiple submitters, no conflicts (2 of 4 stars). 2 submissions from 2 submitters: Uncertain significance (2). Last evaluated 2025-02-23.

Conditions:
Progressive myoclonic epilepsy type 9. Identifiers: Orphanet 457265, MedGen C4225289, MONDO:0014685, OMIM 616540.
Lipodystrophy, partial, acquired, susceptibility to (APLD). Also called: APLD, SUSCEPTIBILITY TO. Identifiers: MedGen C3887501, MONDO:0100476, OMIM 608709.

Allele frequency attached by ClinVar (database versions not stated): TOPMed 0.00001; gnomAD exomes 0.00005 and 0.00003; ExAC 0.00008; 1000 Genomes Project 0.00020; 1000 Genomes Project 30x 0.00016; gnomAD 0.00001.
gnomAD v4.1: 44 of 1,608,682 alleles (0.0027%); highest among the groups gnomAD compares: Non-Finnish European, 0.0025%; no homozygotes.

Submissions (2):

Labcorp Genetics (formerly Invitae), Labcorp
Classification: Uncertain significance for Progressive myoclonic epilepsy type 9; Lipodystrophy, partial, acquired, susceptibility to. Last evaluated: 2025-02-23. Review status: criteria provided, single submitter. Criteria: Invitae Variant Classification Sherloc (09022015). Collection method: clinical testing. Allele origin: germline.
Comment: This sequence change replaces arginine, which is basic and polar, with glutamine, which is neutral and polar, at codon 248 of the LMNB2 protein (p.Arg248Gln). This variant is present in population databases (rs201250275, gnomAD 0.03%). This variant has not been reported in the literature in individuals affected with LMNB2-related conditions. ClinVar contains an entry for this variant (Variation ID: 1513306). Invitae Evidence Modeling of protein sequence and biophysical properties (such as structural, functional, and spatial information, amino acid conservation, physicochemical variation, residue mobility, and thermodynamic stability) indicates that this missense variant is not expected to disrupt LMNB2 protein function with a negative predictive value of 80%. In summary, the available evidence is currently insufficient to determine the role of this variant in disease. Therefore, it has been classified as a Variant of Uncertain Significance.

Ambry Genetics
Classification: Uncertain significance. Last evaluated: 2024-11-14. Review status: criteria provided, single submitter. Criteria: Ambry Variant Classification Scheme 2023. Collection method: clinical testing. Allele origin: germline.

NM_032737.4(LMNB2):c.743G>A (p.Arg248Gln)

Gene: LMNB2 (lamin B2; minus strand). Cytogenetic location: 19p13.3.
Variant type: single nucleotide variant.
Coding change: c.743G>A on transcript NM_032737.4 (MANE Select); coding-DNA position 743, G replaced by A.
Protein change: p.Arg248Gln; replaces arginine 248 with glutamine.
Molecular consequence: missense variant.
Genome position (GRCh38, 1-based): chr19:2,435,113, C>T on the plus strand (G>A on the coding strand, the complement: LMNB2 is on the minus strand). VCF-style: chr19-2435113-C-T. GRCh37 (hg19) VCF-style: chr19-2435111-C-T.
Other names: c.683G>A (NM_032737.2); short protein forms R248Q.
Identifiers: ClinVar variation 1513306 (VCV001513306.9), dbSNP rs201250275, ClinGen allele CA9067770.